The following is an entry in ClinVar:

ClinVar aggregate classification (germline): Uncertain significance. Review status: criteria provided, multiple submitters, no conflicts (2 of 4 stars). 2 submissions from 2 submitters: Uncertain significance (2). Last evaluated 2026-04-01.

Allele frequency attached by ClinVar (database versions not stated): gnomAD exomes 0.00001; ExAC 0.00004; TOPMed below 0.00001; gnomAD 0.00001.
gnomAD v4.1: 22 of 1,601,838 alleles (0.0014%); highest among the groups gnomAD compares: African/African-American, 0.0027%; no homozygotes.

Submissions (2):

GeneDx
Classification: Uncertain significance. Last evaluated: 2026-04-01. Review status: criteria provided, single submitter. Criteria: GeneDx Variant Classification Process June 2021. Collection method: clinical testing. Allele origin: germline.
Comment: In silico analysis supports that this missense variant has a deleterious effect on protein structure/function; Has not been previously published as pathogenic or benign to our knowledge

Labcorp Genetics (formerly Invitae), Labcorp
Classification: Uncertain significance. Last evaluated: 2022-11-06. Review status: criteria provided, single submitter. Criteria: Invitae Variant Classification Sherloc (09022015). Collection method: clinical testing. Allele origin: germline.
Comment: In summary, the available evidence is currently insufficient to determine the role of this variant in disease. Therefore, it has been classified as a Variant of Uncertain Significance. Advanced modeling of protein sequence and biophysical properties (such as structural, functional, and spatial information, amino acid conservation, physicochemical variation, residue mobility, and thermodynamic stability) performed at Invitae indicates that this missense variant is not expected to disrupt MYH14 protein function. This variant has not been reported in the literature in individuals affected with MYH14-related conditions. The frequency data for this variant in the population databases is considered unreliable, as metrics indicate poor data quality at this position in the gnomAD database. This sequence change replaces alanine, which is neutral and non-polar, with threonine, which is neutral and polar, at codon 216 of the MYH14 protein (p.Ala216Thr).

NM_001145809.2(MYH14):c.646G>A (p.Ala216Thr)

Gene: MYH14 (myosin heavy chain 14; plus strand). Cytogenetic location: 19q13.33.
Variant type: single nucleotide variant.
Coding change: c.646G>A on transcript NM_001145809.2 (MANE Select); coding-DNA position 646, G replaced by A.
Protein change: p.Ala216Thr; replaces alanine 216 with threonine.
Molecular consequence: missense variant.
Genome position (GRCh38, 1-based): chr19:50,223,302, G>A. VCF-style: chr19-50223302-G-A. GRCh37 (hg19) VCF-style: chr19-50726559-G-A.
Other names: c.646G>A, p.Ala216Thr (NM_001077186.2, NM_024729.4); c.646G>A (NM_024729.3); short protein forms A216T.
Identifiers: ClinVar variation 1913873 (VCV001913873.6), dbSNP rs745491664, ClinGen allele CA9592333.